The following is an entry in ClinVar:

ClinVar aggregate classification (germline): Uncertain significance (1 of 4 stars; one submission).

Conditions:
SCAPER-related disorder. Also called: SCAPER-related condition.

gnomAD v4.1: 4 of 1,601,274 alleles (0.00025%); highest among the groups gnomAD compares: Non-Finnish European, 0.00034%; no homozygotes.

Submission:

PreventionGenetics, part of Exact Sciences
Classification: Uncertain significance for SCAPER-related condition. Last evaluated: 2025-03-13. Review status: criteria provided, single submitter. Criteria: ACMG Guidelines, 2015. Collection method: clinical testing. Allele origin: germline.
Comment: The SCAPER c.2416C>G variant is predicted to result in the amino acid substitution p.Leu806Val. To our knowledge, this variant has not been reported in the literature. This variant is reported in 0.00091% of alleles in individuals of European (Non-Finnish) descent in gnomAD. At this time, the clinical significance of this variant is uncertain due to the absence of conclusive functional and genetic evidence.

NM_020843.4(SCAPER):c.2398C>G (p.Leu800Val)

Gene: SCAPER (S-phase cyclin A associated protein in the ER; minus strand). Cytogenetic location: 15q24.3.
Variant type: single nucleotide variant.
Coding change: c.2398C>G on transcript NM_020843.4 (MANE Select); coding-DNA position 2398, C replaced by G.
Protein change: p.Leu800Val; replaces leucine 800 with valine.
Molecular consequence: missense variant. On other transcripts: non-coding transcript variant (1).
Genome position (GRCh38, 1-based): chr15:76,702,852, G>C on the plus strand (C>G on the coding strand, the complement: SCAPER is on the minus strand). VCF-style: chr15-76702852-G-C. GRCh37 (hg19) VCF-style: chr15-76995193-G-C.
Other names: c.1660C>G, p.Leu554Val (NM_001145923.2); c.2416C>G, p.Leu806Val (NM_001353009.2); c.1996C>G, p.Leu666Val (NM_001353010.2, NM_001353012.2); c.2014C>G, p.Leu672Val (NM_001353011.2); short protein forms L672V, L666V, L800V, L806V, L554V.
Identifiers: ClinVar variation 5000741 (VCV005000741.1).
Genomic context (GRCh38, chr15:76,702,852, plus strand): 5'-TGGTTTCATAAACTTTAGTAGTAAACTATATCATTACAATATTGATATAACAACCTACCA[G>C]GACATTGCAGAGAGAACACTGCTTCTTTCTTTCATAAGGGGTCAGTTTGGGGGCATAATC-3'
Protein context (NP_065894.2, residues 790-810): RKKQCSLCNV[Leu800Val]ISSEVYLFSH